The following is an entry in ClinVar:

ClinVar aggregate classification (germline): Likely pathogenic (1 of 4 stars; one submission).

Conditions:
Hypertrophic cardiomyopathy. Also called: HYPERTROPHIC MYOCARDIOPATHY. Identifiers: Orphanet 217569, MedGen C0007194, MeSH D002312, MONDO:0005045, HP:0001639.

Allele frequency attached by ClinVar (database versions not stated): gnomAD exomes below 0.00001.

Submission:

Laboratory for Molecular Medicine, Mass General Brigham Personalized Medicine
Classification: Likely pathogenic for Hypertrophic cardiomyopathy. Last evaluated: 2023-02-02. Review status: criteria provided, single submitter. Criteria: ACMG Guidelines, 2015. Collection method: clinical testing. Allele origin: germline.
Comment: The p.Asp48X in MYBPC3 has not been reported in individuals with hypertrophic cardiomyopathy and was absent from large population databases. This nonsense variant leads to a premature termination codon at position 48, which is predicted to lead to a truncated or absent protein. Loss of function of the MYBPC3 gene is an established disease mechanism hypertrophic cardiomyopathy. In summary, although additional studies are required to fully establish its clinical significance, this variant meets criteria to be classified as likely pathogenic for autosomal dominant hypertrophic cardiomyopathy. ACMG/AMP criteria applied: PVS1, PM2_Supporting.

NM_000256.3(MYBPC3):c.140_141insC (p.Ser47_Asp48insTer)

Gene: MYBPC3 (myosin binding protein C3; minus strand). Cytogenetic location: 11p11.2.
Variant type: Insertion.
Coding change: c.140_141insC on transcript NM_000256.3 (MANE Select); coding-DNA positions 140 to 141, C inserted.
Protein change: p.Ser47_Asp48insTer.
Molecular consequence: frameshift variant.
Genome position: GRCh38 VCF-style: chr11-47351390-A-AG. GRCh37 (hg19) VCF-style: chr11-47372941-A-AG.
Identifiers: ClinVar variation 3075925 (VCV003075925.1), dbSNP rs1565631849, ClinGen allele CA599374260.